The following is an entry in ClinVar:

NM_001267550.2(TTN):c.25801G>T (p.Val8601Phe)

Gene: TTN (titin; minus strand). Cytogenetic location: 2q31.2.
Variant type: single nucleotide variant.
Coding change: c.25801G>T on transcript NM_001267550.2 (MANE Select); coding-DNA position 25801, G replaced by T.
Protein change: p.Val8601Phe; replaces valine 8601 with phenylalanine.
Molecular consequence: missense variant. On other transcripts: intron variant (3).
Genome position (GRCh38, 1-based): chr2:178,715,613, C>A on the plus strand (G>T on the coding strand, the complement: TTN is on the minus strand). VCF-style: chr2-178715613-C-A. GRCh37 (hg19) VCF-style: chr2-179580340-C-A.
Other names: c.24850G>T, p.Val8284Phe (NM_001256850.1); c.22069G>T, p.Val7357Phe (NM_133378.4); c.13282+22469G>T (NM_003319.4); c.13858+22469G>T (NM_133437.4); c.13657+22469G>T (NM_133432.3); short protein forms V7357F, V8284F, V8601F.
Identifiers: ClinVar variation 2437946 (VCV002437946.6), dbSNP rs184812963, ClinGen allele CA2000142.

ClinVar aggregate classification (germline): Conflicting classifications of pathogenicity. Review status: criteria provided, conflicting classifications (1 of 4 stars). 3 submissions from 3 submitters: Uncertain significance (1); Benign (1); Likely benign (1). Last evaluated 2026-02-18.

Conditions:
Cardiomyopathy (CMYO). Also called: Cardiomyopathies. Identifiers: Orphanet 167848, MedGen C0878544, MONDO:0004994, HP:0001638. Inheritance: Various modes of inheritance.

Allele frequency attached by ClinVar (database versions not stated): gnomAD 0.00002; 1000 Genomes Project 30x 0.00016; 1000 Genomes Project 0.00020.

Submissions (3):

Women's Health and Genetics/Laboratory Corporation of America, LabCorp
Classification: Likely benign. Last evaluated: 2026-02-18. Review status: criteria provided, single submitter. Criteria: LabCorp Variant Classification Summary - May 2015. Collection method: clinical testing. Allele origin: germline.
Comment: Variant summary: TTN c.22069G>T (p.Val7357Phe) results in a non-conservative amino acid change in the encoded protein sequence. Algorithms developed to predict the effect of missense changes on protein structure and function are either unavailable or do not agree on the potential impact of this missense change. The variant allele was found at a frequency of 4.8e-05 in 248702 control chromosomes, predominantly at a frequency of 0.00067 within the East Asian subpopulation in the gnomAD database. The observed variant frequency within East Asian control individuals in the gnomAD database exceeds the estimated maximal expected allele frequency for disease-causing variants in TTN. To our knowledge, no occurrence of c.22069G>T in individuals affected with TTN-related conditions and no experimental evidence demonstrating its impact on protein function have been reported. ClinVar contains an entry for this variant (Variation ID: 2437946). Based on the evidence outlined above, the variant was classified as likely benign.

CHEO Genetics Diagnostic Laboratory, Children's Hospital of Eastern Ontario
Classification: Benign for Cardiomyopathy. Last evaluated: 2022-03-01. Review status: criteria provided, single submitter. Criteria: ACMG Guidelines, 2015. Collection method: clinical testing. Allele origin: germline.

Revvity Omics, Revvity
Classification: Uncertain significance. Last evaluated: 2021-09-18. Review status: criteria provided, single submitter. Criteria: ACMG Guidelines, 2015. Collection method: clinical testing. Allele origin: germline.